The following is an entry in ClinVar:

NM_057175.5(NAA15):c.1410+1G>A

Gene: NAA15 (N-alpha-acetyltransferase 15, NatA auxiliary subunit; plus strand). Cytogenetic location: 4q31.1.
Variant type: single nucleotide variant.
Coding change: c.1410+1G>A on transcript NM_057175.5 (MANE Select); the canonical splice donor site of the intron after coding-DNA position 1410, G replaced by A.
Molecular consequence: splice donor variant.
Genome position (GRCh38, 1-based): chr4:139,359,896, G>A. VCF-style: chr4-139359896-G-A. GRCh37 (hg19) VCF-style: chr4-140281050-G-A.
Other names: c.1410+1G>A (NM_001410842.1).
Identifiers: ClinVar variation 521784 (VCV000521784.5), dbSNP rs1553996876, ClinGen allele CA358267607.

ClinVar aggregate classification (germline): Pathogenic/Likely pathogenic. Review status: criteria provided, multiple submitters, no conflicts (2 of 4 stars). 2 submissions from 2 submitters: Pathogenic (1); Likely pathogenic (1). Last evaluated 2024-12-03.

Conditions:
Inborn genetic diseases. Identifiers: MedGen C0950123, MeSH D030342.

Submissions (2):

GeneDx
Classification: Pathogenic. Last evaluated: 2024-12-03. Review status: criteria provided, single submitter. Criteria: GeneDx Variant Classification Process June 2021. Collection method: clinical testing. Allele origin: germline. Affected: yes.
Comment: Canonical splice site variant predicted to result in an in-frame loss of the adjacent exon in a gene for which loss of function is a known mechanism of disease; Not observed at significant frequency in large population cohorts (gnomAD); Has not been previously published as pathogenic or benign to our knowledge; This variant is associated with the following publications: (PMID: 12888564, 28990276, 28191889)

Ambry Genetics
Classification: Likely pathogenic for Inborn genetic diseases. Last evaluated: 2017-06-21. Review status: criteria provided, single submitter. Criteria: Ambry exome assertion method (8-5-2015). Collection method: clinical testing. Allele origin: germline. Affected: yes. Observed: 1 variant allele.